The following is an entry in ClinVar:

ClinVar aggregate classification (germline): Uncertain significance. Review status: criteria provided, multiple submitters, no conflicts (2 of 4 stars). 2 submissions from 2 submitters: Uncertain significance (2). Last evaluated 2022-07-19.

Conditions:
Muscular dystrophy-dystroglycanopathy (congenital with brain and eye anomalies), type a, 8 (MDDGA8). Also called: WALKER-WARBURG SYNDROME OR MUSCLE-EYE-BRAIN DISEASE, GTDC2-RELATED. Identifiers: Orphanet 899, MedGen C3553813, MONDO:0013904, OMIM 614830.

Allele frequency attached by ClinVar (database versions not stated): gnomAD 0.00003; TOPMed 0.00004; ESP Exome Variant Server 0.00015.
gnomAD v4.1: 75 of 1,613,758 alleles (0.0046%); highest among the groups gnomAD compares: South Asian, 0.0055%; no homozygotes.

Submissions (2):

Labcorp Genetics (formerly Invitae), Labcorp
Classification: Uncertain significance for Muscular dystrophy-dystroglycanopathy (congenital with brain and eye anomalies), type a, 8. Last evaluated: 2022-07-19. Review status: criteria provided, single submitter. Criteria: Invitae Variant Classification Sherloc (09022015). Collection method: clinical testing. Allele origin: germline.
Comment: This sequence change replaces arginine, which is basic and polar, with glutamine, which is neutral and polar, at codon 438 of the POMGNT2 protein (p.Arg438Gln). This variant is present in population databases (rs371405205, gnomAD 0.006%). This variant has not been reported in the literature in individuals affected with POMGNT2-related conditions. ClinVar contains an entry for this variant (Variation ID: 580862). Algorithms developed to predict the effect of missense changes on protein structure and function are either unavailable or do not agree on the potential impact of this missense change (SIFT: "Deleterious"; PolyPhen-2: "Probably Damaging"; Align-GVGD: "Class C0"). Algorithms developed to predict the effect of sequence changes on RNA splicing suggest that this variant may create or strengthen a splice site. In summary, the available evidence is currently insufficient to determine the role of this variant in disease. Therefore, it has been classified as a Variant of Uncertain Significance.

Blueprint Genetics
Classification: Uncertain significance. Last evaluated: 2019-11-29. Review status: criteria provided, single submitter. Criteria: ACMG Guidelines, 2015. Collection method: clinical testing. Allele origin: germline.

NM_032806.6(POMGNT2):c.1313G>A (p.Arg438Gln)

Gene: POMGNT2 (protein O-linked mannose N-acetylglucosaminyltransferase 2 (beta 1,4-); minus strand). Cytogenetic location: 3p22.1.
Variant type: single nucleotide variant.
Coding change: c.1313G>A on transcript NM_032806.6 (MANE Select); coding-DNA position 1313, G replaced by A.
Protein change: p.Arg438Gln; replaces arginine 438 with glutamine.
Molecular consequence: missense variant.
Genome position (GRCh38, 1-based): chr3:43,080,119, C>T on the plus strand (G>A on the coding strand, the complement: POMGNT2 is on the minus strand). VCF-style: chr3-43080119-C-T. GRCh37 (hg19) VCF-style: chr3-43121611-C-T.
Other names: short protein forms R438Q.
Identifiers: ClinVar variation 580862 (VCV000580862.6), dbSNP rs371405205, ClinGen allele CA2339877.